The following is an entry in ClinVar:

ClinVar aggregate classification (germline): Uncertain significance (1 of 4 stars; one submission).

Conditions:
Autosomal dominant spastic paraplegia type 9. Identifiers: MedGen C1832669, MONDO:0015091.
de Barsy syndrome. Also called: Cutis laxa-corneal clouding-oligophrenia syndrome. Identifiers: Orphanet 2962, MedGen C0268354, MONDO:0017569.
Cutis laxa, autosomal dominant 3 (ADCL3). Identifiers: Orphanet 90348, MedGen C4225268, MONDO:0014706, OMIM 616603.

gnomAD v4.1: 1 of 1,614,112 alleles (0.000062%); highest among the groups gnomAD compares: Admixed American, 0.0017%; no homozygotes.

Submission:

Labcorp Genetics (formerly Invitae), Labcorp
Classification: Uncertain significance for Autosomal dominant spastic paraplegia type 9; de Barsy syndrome; Cutis laxa, autosomal dominant 3. Last evaluated: 2024-09-08. Review status: criteria provided, single submitter. Criteria: Invitae Variant Classification Sherloc (09022015). Collection method: clinical testing. Allele origin: germline.
Comment: This sequence change replaces asparagine, which is neutral and polar, with tyrosine, which is neutral and polar, at codon 202 of the ALDH18A1 protein (p.Asn202Tyr). This variant is present in population databases (rs754366956, gnomAD 0.003%). This variant has not been reported in the literature in individuals affected with ALDH18A1-related conditions. Invitae Evidence Modeling of protein sequence and biophysical properties (such as structural, functional, and spatial information, amino acid conservation, physicochemical variation, residue mobility, and thermodynamic stability) has been performed for this missense variant. However, the output from this modeling did not meet the statistical confidence thresholds required to predict the impact of this variant on ALDH18A1 protein function. In summary, the available evidence is currently insufficient to determine the role of this variant in disease. Therefore, it has been classified as a Variant of Uncertain Significance.

NM_002860.4(ALDH18A1):c.604A>T (p.Asn202Tyr)

Gene: ALDH18A1 (aldehyde dehydrogenase 18 family member A1; minus strand). Cytogenetic location: 10q24.1.
Variant type: single nucleotide variant.
Coding change: c.604A>T on transcript NM_002860.4 (MANE Select); coding-DNA position 604, A replaced by T.
Protein change: p.Asn202Tyr; replaces asparagine 202 with tyrosine.
Molecular consequence: missense variant. On other transcripts: 5 prime UTR variant (1).
Genome position (GRCh38, 1-based): chr10:95,633,604, T>A on the plus strand (A>T on the coding strand, the complement: ALDH18A1 is on the minus strand). VCF-style: chr10-95633604-T-A. GRCh37 (hg19) VCF-style: chr10-97393361-T-A.
Other names: c.604A>T, p.Asn202Tyr (NM_001017423.2, NM_001323413.2, NM_001323414.2 and 1 more transcripts); c.271A>T, p.Asn91Tyr (NM_001323412.2, NM_001323416.2, NM_001323418.2); c.499A>T, p.Asn167Tyr (NM_001323417.2); c.-33A>T (NM_001323419.2); short protein forms N167Y, N202Y, N91Y.
Identifiers: ClinVar variation 3748548 (VCV003748548.2).